The following is an entry in ClinVar:

NM_145064.3(STAC3):c.996+3A>G

Gene: STAC3 (SH3 and cysteine rich domain 3; minus strand). Cytogenetic location: 12q13.3.
Variant type: single nucleotide variant.
Coding change: c.996+3A>G on transcript NM_145064.3 (MANE Select); 3 bases into the intron after coding-DNA position 996, A replaced by G.
Molecular consequence: intron variant.
Genome position (GRCh38, 1-based): chr12:57,244,085, T>C on the plus strand (A>G on the coding strand, the complement: STAC3 is on the minus strand). VCF-style: chr12-57244085-T-C. GRCh37 (hg19) VCF-style: chr12-57637868-T-C.
Other names: c.438+3A>G (NM_001286257.2); c.879+3A>G (NM_001286256.2).
Identifiers: ClinVar variation 1516897 (VCV001516897.6), dbSNP rs2136821619, ClinGen allele CA2573148835.
Genomic context (GRCh38, chr12:57,244,085, plus strand): 5'-TCCAAGGAGTGTGGTGGGCTAGGGAGCATTCAGGCCTGGGATTGGGTTGGGGCAACAGCC[T>C]ACCTGGTCCTTCTTGAGAGTGATCTGCCCTATCTCGCGGTTCCCCACGAAGGATCTCGTC-3'

ClinVar aggregate classification (germline): Uncertain significance (1 of 4 stars; one submission).

Conditions:
Bailey-Bloch congenital myopathy (CMYO13). Also called: Native American myopathy; STAC3 disorder; Congenital myopathy 13. Identifiers: Orphanet 168572, MedGen C1850625, MONDO:0009722, OMIM 255995.

Allele frequency attached by ClinVar (database versions not stated): gnomAD exomes below 0.00001.
gnomAD v4.1: 1 of 1,614,112 alleles (0.000062%); highest among the groups gnomAD compares: Non-Finnish European, 0.000085%; no homozygotes.

Submission:

Labcorp Genetics (formerly Invitae), Labcorp
Classification: Uncertain significance for Bailey-Bloch congenital myopathy. Last evaluated: 2022-11-15. Review status: criteria provided, single submitter. Criteria: Invitae Variant Classification Sherloc (09022015). Collection method: clinical testing. Allele origin: germline.
Comment: In summary, the available evidence is currently insufficient to determine the role of this variant in disease. Therefore, it has been classified as a Variant of Uncertain Significance. Variants that disrupt the consensus splice site are a relatively common cause of aberrant splicing (PMID: 17576681, 9536098). Algorithms developed to predict the effect of sequence changes on RNA splicing suggest that this variant is not likely to affect RNA splicing. This sequence change falls in intron 11 of the STAC3 gene. It does not directly change the encoded amino acid sequence of the STAC3 protein. It affects a nucleotide within the consensus splice site. This variant is not present in population databases (gnomAD no frequency). This variant has not been reported in the literature in individuals affected with STAC3-related conditions. ClinVar contains an entry for this variant (Variation ID: 1516897).

Literature cited by the submitters: PubMed 17576681; PubMed 9536098.